The following is an entry in ClinVar:

NM_014714.4(IFT140):c.490G>A (p.Glu164Lys)

Genes: IFT140 (intraflagellar transport 140; minus strand), LOC105371046 (uncharacterized LOC105371046; plus strand). Cytogenetic location: 16p13.3.
Variant type: single nucleotide variant.
Coding change: c.490G>A on transcript NM_014714.4 (MANE Select); coding-DNA position 490, G replaced by A.
Protein change: p.Glu164Lys; replaces glutamic acid 164 with lysine.
Molecular consequence: missense variant.
Genome position (GRCh38, 1-based): chr16:1,592,468, C>T on the plus strand (G>A on the coding strand, the complement: IFT140 is on the minus strand). VCF-style: chr16-1592468-C-T. GRCh37 (hg19) VCF-style: chr16-1642469-C-T.
Other names: short protein forms E164K.
Identifiers: ClinVar variation 1503613 (VCV001503613.10), dbSNP rs559314300, ClinGen allele CA7814687.

ClinVar aggregate classification (germline): Uncertain significance. Review status: criteria provided, multiple submitters, no conflicts (2 of 4 stars). 2 submissions from 2 submitters: Uncertain significance (2). Last evaluated 2024-06-14.

Conditions:
Saldino-Mainzer syndrome (SRTD9). Also called: CONORENAL SYNDROME; Renal dysplasia, retinal pigmentary dystrophy, cerebellar ataxia and skeletal dysplasia; short-rib thoracic dysplasia 9 with or without polydactyly; SHORT-RIB THORACIC DYSPLASIA 9 WITHOUT POLYDACTYLY. Identifiers: Orphanet 140969, MedGen C1849437, MONDO:0009964, OMIM 266920.

Allele frequency attached by ClinVar (database versions not stated): gnomAD exomes below 0.00001; ExAC 0.00001; gnomAD 0.00002.
gnomAD v4.1: 64 of 1,613,910 alleles (0.004%); highest among the groups gnomAD compares: Non-Finnish European, 0.0052%; no homozygotes.

Submissions (2):

Blueprint Genetics
Classification: Uncertain significance. Last evaluated: 2024-06-14. Review status: criteria provided, single submitter. Criteria: ACMG Guidelines, 2015. Collection method: clinical testing. Allele origin: germline.

Labcorp Genetics (formerly Invitae), Labcorp
Classification: Uncertain significance for Saldino-Mainzer syndrome. Last evaluated: 2023-11-06. Review status: criteria provided, single submitter. Criteria: Invitae Variant Classification Sherloc (09022015). Collection method: clinical testing. Allele origin: germline.
Comment: This sequence change replaces glutamic acid, which is acidic and polar, with lysine, which is basic and polar, at codon 164 of the IFT140 protein (p.Glu164Lys). This variant is present in population databases (rs559314300, gnomAD 0.0009%). This variant has not been reported in the literature in individuals affected with IFT140-related conditions. ClinVar contains an entry for this variant (Variation ID: 1503613). An algorithm developed to predict the effect of missense changes on protein structure and function (PolyPhen-2) suggests that this variant is likely to be tolerated. In summary, the available evidence is currently insufficient to determine the role of this variant in disease. Therefore, it has been classified as a Variant of Uncertain Significance.